The following is an entry in ClinVar:

ClinVar aggregate classification (germline): Likely benign. Review status: criteria provided, multiple submitters, no conflicts (2 of 4 stars). 5 submissions from 5 submitters: Likely benign (4). 1 of the submissions does not count toward it. Last evaluated 2026-09-16.

Conditions:
TCOF1-related disorder. Also called: TCOF1-related condition.
Treacher Collins syndrome 1 (TCS1). Also called: TCOF1-Related Treacher Collins Syndrome. Identifiers: Orphanet 861, MedGen CN315775, MONDO:0007944, OMIM 154500.

Allele frequency attached by ClinVar (database versions not stated): gnomAD 0.00013 and 0.00014; ExAC 0.00014; ESP Exome Variant Server 0.00015; gnomAD exomes 0.00015 and 0.00029; TOPMed 0.00017; 1000 Genomes Project 0.00040; 1000 Genomes Project 30x 0.00047.
gnomAD v4.1: 439 of 1,614,060 alleles (0.027%); highest among the groups gnomAD compares: Non-Finnish European, 0.034%; no homozygotes.

Submissions (5):

PreventionGenetics, part of Exact Sciences
Classification: Likely benign for TCOF1-related condition. Last evaluated: 2026-09-16. Review status: criteria provided, single submitter. Criteria: ACMG Guidelines, 2015. Collection method: clinical testing. Allele origin: germline.
Comment: This variant is classified as likely benign based on ACMG/AMP sequence variant interpretation guidelines (Richards et al. 2015 PMID: 25741868, with internal and published modifications).

Labcorp Genetics (formerly Invitae), Labcorp
Classification: Likely benign for Treacher Collins syndrome 1. Last evaluated: 2025-12-17. Review status: criteria provided, single submitter. Criteria: Invitae Variant Classification Sherloc (09022015). Collection method: clinical testing. Allele origin: germline.

Blueprint Genetics
Classification: Likely benign. Last evaluated: 2024-11-14. Review status: criteria provided, single submitter. Criteria: ACMG Guidelines, 2015. Collection method: clinical testing. Allele origin: germline.

GeneDx
Classification: Likely benign. Last evaluated: 2021-04-14. Review status: criteria provided, single submitter. Criteria: GeneDx Variant Classification Process June 2021. Collection method: clinical testing. Allele origin: germline. Affected: yes.

Genetics Laboratories, Oxford Radcliffe Hospitals NHS Trust
Classification: Likely benign for Treacher collins syndrome 1. Review status: no assertion criteria provided. Collection method: not provided. Allele origin: somatic. Not counted in ClinVar's aggregate classification.

NM_001371623.1(TCOF1):c.3945A>C (p.Ser1315=)

Gene: TCOF1 (treacle ribosome biogenesis factor 1; plus strand). Cytogenetic location: 5q32.
Variant type: single nucleotide variant.
Coding change: c.3945A>C on transcript NM_001371623.1 (MANE Select); coding-DNA position 3945, A replaced by C.
Protein change: p.Ser1315=; no amino-acid change (serine 1315 retained).
Molecular consequence: synonymous variant.
Genome position (GRCh38, 1-based): chr5:150,396,442, A>C. VCF-style: chr5-150396442-A-C. GRCh37 (hg19) VCF-style: chr5-149776005-A-C.
Other names: c.3711A>C, p.Ser1237= (NM_000356.4); c.3942A>C, p.Ser1314= (NM_001135243.2); c.3831A>C, p.Ser1277= (NM_001135244.2); c.3714A>C, p.Ser1238= (NM_001135245.2); c.3828A>C, p.Ser1276= (NM_001195141.2).
Identifiers: ClinVar variation 209014 (VCV000209014.13), dbSNP rs146509895, ClinGen allele CA276069.